The following is an entry in ClinVar:

NM_004336.5(BUB1):c.188A>G (p.His63Arg)

Gene: BUB1 (BUB1 mitotic checkpoint serine/threonine kinase; minus strand). Cytogenetic location: 2q13.
Variant type: single nucleotide variant.
Coding change: c.188A>G on transcript NM_004336.5 (MANE Select); coding-DNA position 188, A replaced by G.
Protein change: p.His63Arg; replaces histidine 63 with arginine.
Molecular consequence: missense variant.
Genome position (GRCh38, 1-based): chr2:110,674,123, T>C on the plus strand (A>G on the coding strand, the complement: BUB1 is on the minus strand). VCF-style: chr2-110674123-T-C. GRCh37 (hg19) VCF-style: chr2-111431700-T-C.
Other names: c.128A>G, p.His43Arg (NM_001278616.2); c.188A>G, p.His63Arg (NM_001278617.2); short protein forms H63R, H43R.
Identifiers: ClinVar variation 1782033 (VCV001782033.2), dbSNP rs749197878, ClinGen allele CA1828435.

ClinVar aggregate classification (germline): Uncertain significance (1 of 4 stars; one submission).

Allele frequency attached by ClinVar (database versions not stated): gnomAD exomes below 0.00001; gnomAD 0.00001; ExAC 0.00003.
gnomAD v4.1: 8 of 1,553,436 alleles (0.00051%); highest among the groups gnomAD compares: Non-Finnish European, 0.00071%; no homozygotes.

Submission:

Ambry Genetics
Classification: Uncertain significance. Last evaluated: 2024-02-10. Review status: criteria provided, single submitter. Criteria: Ambry Variant Classification Scheme 2023. Collection method: clinical testing. Allele origin: germline.
Comment: The p.H63R variant (also known as c.188A>G), located in coding exon 3 of the BUB1 gene, results from an A to G substitution at nucleotide position 188. The histidine at codon 63 is replaced by arginine, an amino acid with highly similar properties. This amino acid position is conserved. In addition, this alteration is predicted to be tolerated by in silico analysis. Since supporting evidence is limited at this time, the clinical significance of this alteration remains unclear.